The following is an entry in ClinVar:

NM_006031.6(PCNT):c.8997-1G>A

Gene: PCNT (pericentrin; plus strand). Cytogenetic location: 21q22.3.
Variant type: single nucleotide variant.
Coding change: c.8997-1G>A on transcript NM_006031.6 (MANE Select); the canonical splice acceptor site of the intron before coding-DNA position 8997, G replaced by A.
Molecular consequence: splice acceptor variant.
Genome position (GRCh38, 1-based): chr21:46,436,978, G>A. VCF-style: chr21-46436978-G-A. GRCh37 (hg19) VCF-style: chr21-47856891-G-A.
Other names: c.8406-1G>A (NM_001315529.2).
Identifiers: ClinVar variation 3587751 (VCV003587751.3).

ClinVar aggregate classification (germline): Likely pathogenic. Review status: criteria provided, multiple submitters, no conflicts (2 of 4 stars). 2 submissions from 2 submitters: Likely pathogenic (2). Last evaluated 2024-03-13.

Conditions:
Microcephalic osteodysplastic primordial dwarfism type II (MOPD2). Also called: Microcephalic osteodysplastic primordial dwarfism with tooth abnormalities; MOPD II; OSTEODYSPLASTIC PRIMORDIAL DWARFISM, TYPE II. Identifiers: Orphanet 2637, MedGen C0432246, MONDO:0008872, OMIM 210720.

Submissions (2):

Fulgent Genetics
Classification: Likely pathogenic for Microcephalic osteodysplastic primordial dwarfism type II. Last evaluated: 2024-03-13. Review status: criteria provided, single submitter. Criteria: ACMG Guidelines, 2015. Collection method: clinical testing. Allele origin: germline.

Juno Genomics, Hangzhou Juno Genomics, Inc
Classification: Likely pathogenic for Microcephalic osteodysplastic primordial dwarfism type II. Review status: criteria provided, single submitter. Criteria: ACMG Guidelines, 2015. Collection method: clinical testing. Allele origin: germline.
Comment: Absent from controls (or at extremely low frequency if recessive) in Genome Aggregation Database.;Null variant in a gene where loss of function (LOF) is a known mechanism of disease.